The following is an entry in ClinVar:

NM_001242957.3(MAK):c.1379_1380del (p.Ala460fs)

Gene: MAK (male germ cell associated kinase; minus strand). Cytogenetic location: 6p24.2.
Variant type: Deletion.
Coding change: c.1379_1380del on transcript NM_001242957.3 (MANE Select); coding-DNA positions 1379 to 1380, 2 bases deleted (CT; older notation c.1379_1380delCT).
Protein change: p.Ala460fs; shifts the reading frame from alanine 460.
Molecular consequence: frameshift variant. On other transcripts: non-coding transcript variant (2).
Genome position (GRCh38, 1-based): chr6:10,784,509-10,784,510, AG deleted on the plus strand (CT on the coding strand, the reverse complement: MAK is on the minus strand). VCF-style (leftmost placement, unchanged base first): chr6-10784508-CAG-C. GRCh37 (hg19) VCF-style: chr6-10784741-CAG-C.
Other names: c.1379_1380del, p.Ala460fs (NM_001242385.2, NM_005906.6); c.1277_1278del, p.Ala426fs (NM_001377262.1); short protein forms A426fs, A460fs.
Identifiers: ClinVar variation 2025282 (VCV002025282.4), dbSNP rs2532346355, ClinGen allele CA2580074214.

ClinVar aggregate classification (germline): Pathogenic (1 of 4 stars; one submission).

Submission:

Labcorp Genetics (formerly Invitae), Labcorp
Classification: Pathogenic. Last evaluated: 2022-09-06. Review status: criteria provided, single submitter. Criteria: Invitae Variant Classification Sherloc (09022015). Collection method: clinical testing. Allele origin: germline.
Comment: For these reasons, this variant has been classified as Pathogenic. This variant has not been reported in the literature in individuals affected with MAK-related conditions. This variant is not present in population databases (gnomAD no frequency). This sequence change creates a premature translational stop signal (p.Ala460Glyfs*7) in the MAK gene. It is expected to result in an absent or disrupted protein product. Loss-of-function variants in MAK are known to be pathogenic (PMID: 21148103, 21825139, 24938718, 29781741).

Literature cited by the submitters: PubMed 21148103; PubMed 21825139; PubMed 24938718; PubMed 29781741.